The following is an entry in ClinVar:

NM_000116.5(TAFAZZIN):c.235_236del (p.Trp79fs)

Gene: TAFAZZIN (tafazzin, phospholipid-lysophospholipid transacylase; plus strand). Cytogenetic location: Xq28.
Variant type: Deletion.
Coding change: c.235_236del on transcript NM_000116.5 (MANE Select); coding-DNA positions 235 to 236, 2 bases deleted (TG; older notation c.235_236delTG).
Protein change: p.Trp79fs; shifts the reading frame from tryptophan 79.
Molecular consequence: frameshift variant. On other transcripts: non-coding transcript variant (1).
Genome position (GRCh38, 1-based): chrX:154,412,211-154,412,212, TG deleted. VCF-style (leftmost placement, unchanged base first): chrX-154412210-CTG-C. GRCh37 (hg19) VCF-style: chrX-153640547-CTG-C.
Other names: c.289_290del, p.Trp97fs (NM_001303465.2, NM_001410698.1, NM_001440856.1 and 1 more transcripts); c.235_236del, p.Trp79fs (NM_001440858.1, NM_181311.4, NM_181312.4 and 1 more transcripts); short protein forms W79fs, W97fs.
Identifiers: ClinVar variation 4294474 (VCV004294474.1).

ClinVar aggregate classification (germline): Likely pathogenic (1 of 4 stars; one submission).

Conditions:
3-Methylglutaconic aciduria type 2 (BTHS). Also called: Barth syndrome; CARDIOSKELETAL MYOPATHY WITH NEUTROPENIA AND ABNORMAL MITOCHONDRIA. Identifiers: Orphanet 111, MedGen C0574083, MONDO:0010543, OMIM 302060.

Submission:

Molecular Genetics Department, Kulakov National Medical Research Center for Obstetrics, Gynecology and Perinatology
Classification: Likely pathogenic for 3-Methylglutaconic aciduria type 2. Review status: criteria provided, single submitter. Criteria: ACMG Guidelines, 2015. Collection method: clinical testing. Allele origin: de novo. Affected: yes. Observed: 1 variant allele.
Comment: A previously undescribed hemizygous nucleotide variant creates a frameshift p.Trp79GlyfsTer54 in the TAFAZZIN gene. Hemizygous, homozygous and compound heterozygous variants, including loss-of-function variants, are reported in patients with Barth syndrome, 302060. The variant is not present in population database (gnomAD no frequency). Sanger sequencing revealed that the variant arose de novo. In summary, the currently available evidence indicates that the variant is pathogenic, but additional data are needed to prove that conclusively. Therefore, this variant has been classified as likely pathogenic.